The following is an entry in ClinVar:

ClinVar aggregate classification (germline): Uncertain significance (1 of 4 stars; one submission).

Conditions:
Hereditary spastic paraplegia 11. Also called: SPASTIC PARAPLEGIA, AUTOSOMAL RECESSIVE, COMPLICATED, WITH THIN CORPUS CALLOSUM; SPASTIC PARAPLEGIA, AUTOSOMAL RECESSIVE, WITH MENTAL IMPAIRMENT AND THIN CORPUS CALLOSUM; Spastic paraplegia, mental retardation and thin corpus callosum; Spastic Paraplegia 11; Nakamura Osame syndrome; Autosomal recessive hereditary spastic paraplegia, mental impairment, and thin corpus callosum. Identifiers: Orphanet 2822, MedGen C1858479, MONDO:0011445, OMIM 604360.

Allele frequency attached by ClinVar (database versions not stated): gnomAD exomes below 0.00001.
gnomAD v4.1: 3 of 1,614,056 alleles (0.00019%); highest among the groups gnomAD compares: Non-Finnish European, 0.00025%; no homozygotes.

Submission:

Labcorp Genetics (formerly Invitae), Labcorp
Classification: Uncertain significance for Hereditary spastic paraplegia 11. Last evaluated: 2022-04-12. Review status: criteria provided, single submitter. Criteria: Invitae Variant Classification Sherloc (09022015). Collection method: clinical testing. Allele origin: germline.
Comment: In summary, the available evidence is currently insufficient to determine the role of this variant in disease. Therefore, it has been classified as a Variant of Uncertain Significance. Algorithms developed to predict the effect of missense changes on protein structure and function output the following: SIFT: "Tolerated"; PolyPhen-2: "Possibly Damaging"; Align-GVGD: "Class C0". The asparagine amino acid residue is found in multiple mammalian species, which suggests that this missense change does not adversely affect protein function. This variant has not been reported in the literature in individuals affected with SPG11-related conditions. This variant is not present in population databases (gnomAD no frequency). This sequence change replaces histidine, which is basic and polar, with asparagine, which is neutral and polar, at codon 605 of the SPG11 protein (p.His605Asn).

NM_025137.4(SPG11):c.1813C>A (p.His605Asn)

Gene: SPG11 (SPG11 vesicle trafficking associated, spatacsin; minus strand). Cytogenetic location: 15q21.1.
Variant type: single nucleotide variant.
Coding change: c.1813C>A on transcript NM_025137.4 (MANE Select); coding-DNA position 1813, C replaced by A.
Protein change: p.His605Asn; replaces histidine 605 with asparagine.
Molecular consequence: missense variant.
Genome position (GRCh38, 1-based): chr15:44,629,311, G>T on the plus strand (C>A on the coding strand, the complement: SPG11 is on the minus strand). VCF-style: chr15-44629311-G-T. GRCh37 (hg19) VCF-style: chr15-44921509-G-T.
Other names: c.1813C>A, p.His605Asn (NM_001160227.2, NM_001411132.1); short protein forms H605N.
Identifiers: ClinVar variation 1907192 (VCV001907192.5), dbSNP rs2505601832, ClinGen allele CA392234631.
Genomic context (GRCh38, chr15:44,629,311, plus strand): 5'-GCTCCTTTATTTGGTTGTTAAGGAAAGACAGTGTAAGATTAAGCAATTGTTCTGAAAAGT[G>T]TTTGCTTTGGGGTTCAGAATAACTTTCTCTAATTGCCGAGCAAAGTAAATCCAATGCTGG-3'
Protein context (NP_079413.3, residues 595-615): RESYSEPQSK[His605Asn]FSEQLLNLTL